The following is an entry in ClinVar:

ClinVar aggregate classification (germline): Likely pathogenic (1 of 4 stars; one submission).

Conditions:
Mitochondrial trifunctional protein deficiency. Identifiers: Orphanet 746, MedGen C1969443, MONDO:0012172.

Submission:

Labcorp Genetics (formerly Invitae), Labcorp
Classification: Likely pathogenic for Mitochondrial trifunctional protein deficiency. Last evaluated: 2026-01-24. Review status: criteria provided, single submitter. Criteria: Invitae Variant Classification Sherloc (09022015). Collection method: clinical testing. Allele origin: germline.
Comment: This sequence change affects a donor splice site in intron 8 of the HADHB gene. It is expected to disrupt RNA splicing. Variants that disrupt the donor or acceptor splice site typically lead to a loss of protein function (PMID: 16199547), and loss-of-function variants in HADHB are known to be pathogenic (PMID: 9259266, 12754706). This variant is not present in population databases (gnomAD no frequency). This variant has not been reported in the literature in individuals affected with HADHB-related conditions. Algorithms developed to predict the effect of sequence changes on RNA splicing suggest that this variant may disrupt the consensus splice site. In summary, the currently available evidence indicates that the variant is pathogenic, but additional data are needed to prove that conclusively. Therefore, this variant has been classified as Likely Pathogenic.

Literature cited by the submitters: PubMed 16199547; PubMed 9259266; PubMed 12754706.

NM_000183.3(HADHB):c.630+1G>A

Gene: HADHB (hydroxyacyl-CoA dehydrogenase trifunctional multienzyme complex subunit beta; plus strand). Cytogenetic location: 2p23.3.
Variant type: single nucleotide variant.
Coding change: c.630+1G>A on transcript NM_000183.3 (MANE Select); the canonical splice donor site of the intron after coding-DNA position 630, G replaced by A.
Molecular consequence: splice donor variant.
Genome position (GRCh38, 1-based): chr2:26,278,802, G>A. VCF-style: chr2-26278802-G-A. GRCh37 (hg19) VCF-style: chr2-26501670-G-A.
Other names: c.564+1G>A (NM_001281513.2); c.585+1G>A (NM_001281512.2).
Identifiers: ClinVar variation 4736045 (VCV004736045.1).